The following is an entry in ClinVar:

NM_001098484.3(SLC4A4):c.1322+5C>T

Gene: SLC4A4 (solute carrier family 4 member 4; plus strand). Cytogenetic location: 4q13.3.
Variant type: single nucleotide variant.
Coding change: c.1322+5C>T on transcript NM_001098484.3 (MANE Select); 5 bases into the intron after coding-DNA position 1322, C replaced by T.
Molecular consequence: intron variant.
Genome position (GRCh38, 1-based): chr4:71,451,306, C>T. VCF-style: chr4-71451306-C-T. GRCh37 (hg19) VCF-style: chr4-72317023-C-T.
Other names: c.1322+5C>T (NM_001134742.2); c.1190+5C>T (NM_003759.4).
Identifiers: ClinVar variation 2155166 (VCV002155166.5), dbSNP rs142119540, ClinGen allele CA99463076.

ClinVar aggregate classification (germline): Uncertain significance. Review status: criteria provided, multiple submitters, no conflicts (2 of 4 stars). 2 submissions from 2 submitters: Uncertain significance (2). Last evaluated 2024-06-03.

Conditions:
Autosomal recessive proximal renal tubular acidosis (PRTAO). Also called: RENAL TUBULAR ACIDOSIS, PROXIMAL, WITH OCULAR ABNORMALITIES AND MENTAL RETARDATION; RENAL TUBULAR ACIDOSIS, PROXIMAL, WITH OCULAR ABNORMALITIES AND IMPAIRED INTELLECTUAL DEVELOPMENT; PROXIMAL RENAL TUBULAR ACIDOSIS-OCULAR ANOMALY SYNDROME; RTA, PROXIMAL, AUTOSOMAL RECESSIVE. Identifiers: Orphanet 93607, MedGen C1970309, MONDO:0011422, OMIM 604278.

Allele frequency attached by ClinVar (database versions not stated): gnomAD exomes 0.00001; TOPMed 0.00007; ESP Exome Variant Server 0.00008; gnomAD 0.00009; 1000 Genomes Project 30x 0.00016; 1000 Genomes Project 0.00020.
gnomAD v4.1: 28 of 1,567,322 alleles (0.0018%); highest among the groups gnomAD compares: African/African-American, 0.034%; no homozygotes.

Submissions (2):

Labcorp Genetics (formerly Invitae), Labcorp
Classification: Uncertain significance. Last evaluated: 2024-06-03. Review status: criteria provided, single submitter. Criteria: Invitae Variant Classification Sherloc (09022015). Collection method: clinical testing. Allele origin: germline.
Comment: This sequence change falls in intron 8 of the SLC4A4 gene. It does not directly change the encoded amino acid sequence of the SLC4A4 protein. It affects a nucleotide within the consensus splice site. This variant is present in population databases (rs142119540, gnomAD 0.02%). This variant has not been reported in the literature in individuals affected with SLC4A4-related conditions. ClinVar contains an entry for this variant (Variation ID: 2155166). Variants that disrupt the consensus splice site are a relatively common cause of aberrant splicing (PMID: 17576681, 9536098). Algorithms developed to predict the effect of sequence changes on RNA splicing suggest that this variant is not likely to affect RNA splicing. In summary, the available evidence is currently insufficient to determine the role of this variant in disease. Therefore, it has been classified as a Variant of Uncertain Significance.

Fulgent Genetics
Classification: Uncertain significance for Autosomal recessive proximal renal tubular acidosis. Last evaluated: 2024-05-21. Review status: criteria provided, single submitter. Criteria: ACMG Guidelines, 2015. Collection method: clinical testing. Allele origin: germline.

Literature cited by the submitters: PubMed 17576681 (cited by Labcorp Genetics (formerly Invitae), Labcorp); PubMed 9536098 (cited by Labcorp Genetics (formerly Invitae), Labcorp).